The following is an entry in ClinVar:

NM_000344.4(SMN1):c.245_267del (p.Lys82fs)

Gene: SMN1 (survival of motor neuron 1, telomeric). Cytogenetic location: 5q13.2.
Variant type: Deletion.
Coding change: c.245_267del on transcript NM_000344.4 (MANE Select); coding-DNA positions 245 to 267, 23 bases deleted.
Protein change: p.Lys82fs; shifts the reading frame from lysine 82.
Molecular consequence: frameshift variant.
Genome position: GRCh38 VCF-style: chr5-70941478-AAAGAAGAATACTGCAGCTTCCTT-A. GRCh37 (hg19) VCF-style: chr5-70237305-AAAGAAGAATACTGCAGCTTCCTT-A.
Other names: c.245_267del, p.Lys82fs (NM_001297715.1, NM_022874.2); short protein forms K82fs.
Identifiers: ClinVar variation 3239629 (VCV003239629.2), dbSNP rs2532112298.

ClinVar aggregate classification (germline): Pathogenic (1 of 4 stars; one submission).

Conditions:
Werdnig-Hoffmann disease (SMA1). Also called: MUSCULAR ATROPHY, INFANTILE; SMA I; SMA, INFANTILE ACUTE FORM; HMN (Hereditary Motor Neuropathy) Proximal Type I. Identifiers: Orphanet 83330, MedGen C5848259, MONDO:0009669, OMIM 253300. Disease mechanism: loss of function.

Submission:

DNA-diagnostics Laboratory, Research Centre For Medical Genetics
Classification: Pathogenic for Werdnig-Hoffmann disease. Last evaluated: 2024-06-04. Review status: criteria provided, single submitter. Criteria: ACMG Guidelines, 2015. Collection method: clinical testing. Allele origin: germline. Inheritance: Autosomal recessive inheritance. Affected: yes. Observed: 1 compound heterozygote.
Comment: The Lys82Thrfs*28 variant in the SMN1 gene fulfils the ACMG criteria: PM2, PVS1, PM3, PP4